The following is an entry in ClinVar:

NM_001110556.2(FLNA):c.2708G>A (p.Gly903Asp)

Gene: FLNA (filamin A; minus strand). Cytogenetic location: Xq28.
Variant type: single nucleotide variant.
Coding change: c.2708G>A on transcript NM_001110556.2 (MANE Select); coding-DNA position 2708, G replaced by A.
Protein change: p.Gly903Asp; replaces glycine 903 with aspartic acid.
Molecular consequence: missense variant.
Genome position (GRCh38, 1-based): chrX:154,362,097, C>T on the plus strand (G>A on the coding strand, the complement: FLNA is on the minus strand). VCF-style: chrX-154362097-C-T. GRCh37 (hg19) VCF-style: chrX-153590465-C-T.
Other names: c.2708G>A, p.Gly903Asp (NM_001456.4); short protein forms G903D.
Identifiers: ClinVar variation 2576853 (VCV002576853.3), dbSNP rs2522747261, ClinGen allele CA415233009.
Genomic context (GRCh38, chrX:154,362,097, plus strand): 5'-ACATCTCGCACTGCATCCCCCTTGGTGAGTCCTGAGAACTGGACGTCCAGCTTGCCTTTG[C>T]CAGCAGCTTTGGCATTTACTGTGAAGTGGGTGGGCTTGCCAAGCTCGACACCTGAGGAAC-3'
Protein context (NP_001104026.1, residues 893-913): THFTVNAKAA[Gly903Asp]KGKLDVQFSG

ClinVar aggregate classification (germline): Uncertain significance. Review status: criteria provided, multiple submitters, no conflicts (2 of 4 stars). 2 submissions from 2 submitters: Uncertain significance (2). Last evaluated 2024-03-12.

Conditions:
Oto-palato-digital syndrome, type II (OPD2). Also called: FACIOPALATOOSSEOUS SYNDROME; OPD II SYNDROME; Otopalatodigital Syndrome Type 2 (FLNA-OPD2); Otopalatodigital Syndrome, Type II. Identifiers: Orphanet 669, Orphanet 90652, MedGen C1844696, MONDO:0010571, OMIM 304120.
Heterotopia, periventricular, X-linked dominant (PVNH1). Also called: PERIVENTRICULAR NODULAR HETEROTOPIA 1; X-linked periventricular heterotopia; PERIVENTRICULAR NODULAR HETEROTOPIA 4; HETEROTOPIA, PERIVENTRICULAR, 1. Identifiers: Orphanet 2149, Orphanet 82004, MedGen C1848213, MONDO:0010233, OMIM 300049.
Melnick-Needles syndrome (MNS). Also called: MELNICK-NEEDLES OSTEODYSPLASTY; OSTEODYSPLASTY OF MELNICK AND NEEDLES; Melnick-Needles Syndrome (FLNA-MNS). Identifiers: Orphanet 2484, MedGen C0025237, MONDO:0010650, OMIM 309350.
Frontometaphyseal dysplasia (FMD1). Identifiers: Orphanet 1826, MedGen C0265293, MONDO:0015942.

Allele frequency attached by ClinVar (database versions not stated): gnomAD exomes below 0.00001.
gnomAD v4.1: 1 of 1,211,659 alleles (0.000083%); highest among the groups gnomAD compares: Non-Finnish European, 0.00011%; no homozygotes.

Submissions (2):

Labcorp Genetics (formerly Invitae), Labcorp
Classification: Uncertain significance for Oto-palato-digital syndrome, type II; Heterotopia, periventricular, X-linked dominant; Frontometaphyseal dysplasia; Melnick-Needles syndrome. Last evaluated: 2024-03-12. Review status: criteria provided, single submitter. Criteria: Invitae Variant Classification Sherloc (09022015). Collection method: clinical testing. Allele origin: germline.
Comment: This sequence change replaces glycine, which is neutral and non-polar, with aspartic acid, which is acidic and polar, at codon 903 of the FLNA protein (p.Gly903Asp). This variant is not present in population databases (gnomAD no frequency). This variant has not been reported in the literature in individuals affected with FLNA-related conditions. ClinVar contains an entry for this variant (Variation ID: 2576853). Advanced modeling of protein sequence and biophysical properties (such as structural, functional, and spatial information, amino acid conservation, physicochemical variation, residue mobility, and thermodynamic stability) has been performed at Invitae for this missense variant, however the output from this modeling did not meet the statistical confidence thresholds required to predict the impact of this variant on FLNA protein function. In summary, the available evidence is currently insufficient to determine the role of this variant in disease. Therefore, it has been classified as a Variant of Uncertain Significance.

GeneDx
Classification: Uncertain significance. Last evaluated: 2023-02-16. Review status: criteria provided, single submitter. Criteria: GeneDx Variant Classification Process June 2021. Collection method: clinical testing. Allele origin: germline. Affected: yes.
Comment: Not observed at significant frequency in large population cohorts (gnomAD); In silico analysis supports that this missense variant has a deleterious effect on protein structure/function; Has not been previously published as pathogenic or benign to our knowledge